The following is an entry in ClinVar:

ClinVar aggregate classification (germline): Uncertain significance (1 of 4 stars; one submission).

Conditions:
Schuurs-Hoeijmakers syndrome. Also called: PACS1-Related Neurodevelopmental Disorder. Identifiers: Orphanet 329224, MedGen C3554343, MONDO:0014006, OMIM 615009.

Allele frequency attached by ClinVar (database versions not stated): gnomAD exomes 0.00001; TOPMed below 0.00001; ExAC 0.00001.
gnomAD v4.1: 3 of 1,613,210 alleles (0.00019%); highest among the groups gnomAD compares: Non-Finnish European, 0.00025%; no homozygotes.

Submission:

Labcorp Genetics (formerly Invitae), Labcorp
Classification: Uncertain significance for Schuurs-Hoeijmakers syndrome. Last evaluated: 2024-02-08. Review status: criteria provided, single submitter. Criteria: Invitae Variant Classification Sherloc (09022015). Collection method: clinical testing. Allele origin: germline.
Comment: This sequence change replaces asparagine, which is neutral and polar, with serine, which is neutral and polar, at codon 553 of the PACS1 protein (p.Asn553Ser). This variant is present in population databases (rs748968128, gnomAD 0.002%). This variant has not been reported in the literature in individuals affected with PACS1-related conditions. Advanced modeling of protein sequence and biophysical properties (such as structural, functional, and spatial information, amino acid conservation, physicochemical variation, residue mobility, and thermodynamic stability) performed at Invitae indicates that this missense variant is not expected to disrupt PACS1 protein function with a negative predictive value of 80%. In summary, the available evidence is currently insufficient to determine the role of this variant in disease. Therefore, it has been classified as a Variant of Uncertain Significance.

NM_018026.4(PACS1):c.1658A>G (p.Asn553Ser)

Gene: PACS1 (phosphofurin acidic cluster sorting protein 1; plus strand). Cytogenetic location: 11q13.2.
Variant type: single nucleotide variant.
Coding change: c.1658A>G on transcript NM_018026.4 (MANE Select); coding-DNA position 1658, A replaced by G.
Protein change: p.Asn553Ser; replaces asparagine 553 with serine.
Molecular consequence: missense variant.
Genome position (GRCh38, 1-based): chr11:66,232,203, A>G. VCF-style: chr11-66232203-A-G. GRCh37 (hg19) VCF-style: chr11-65999674-A-G.
Other names: short protein forms N553S.
Identifiers: ClinVar variation 2740648 (VCV002740648.3), dbSNP rs748968128, ClinGen allele CA6116637.